The following is an entry in ClinVar:

NM_016169.4(SUFU):c.892C>G (p.Arg298Gly)

Gene: SUFU (SUFU negative regulator of hedgehog signaling; plus strand). Cytogenetic location: 10q24.32.
Variant type: single nucleotide variant.
Coding change: c.892C>G on transcript NM_016169.4 (MANE Select); coding-DNA position 892, C replaced by G.
Protein change: p.Arg298Gly; replaces arginine 298 with glycine.
Molecular consequence: missense variant.
Genome position (GRCh38, 1-based): chr10:102,597,275, C>G. VCF-style: chr10-102597275-C-G. GRCh37 (hg19) VCF-style: chr10-104357032-C-G.
Other names: c.892C>G, p.Arg298Gly (NM_001178133.2); short protein forms R298G.
Identifiers: ClinVar variation 2933989 (VCV002933989.5), dbSNP rs771255988, ClinGen allele CA377910847.

ClinVar aggregate classification (germline): Uncertain significance. Review status: criteria provided, multiple submitters, no conflicts (2 of 4 stars). 3 submissions from 3 submitters: Uncertain significance (3). Last evaluated 2024-02-06.

Conditions:
Medulloblastoma (MDB). Also called: Medulloblastoma, somatic; MEDULLOBLASTOMA PREDISPOSITION SYNDROME. Identifiers: Orphanet 616, MedGen C0025149, MeSH D008527, MONDO:0007959, OMIM 155255, HP:0002885.
Gorlin syndrome. Also called: Basal cell nevus syndrome; Nevoid Basal Cell Carcinoma Syndrome. Identifiers: Orphanet 377, MedGen C0004779, MONDO:0007187.
Hereditary cancer-predisposing syndrome. Also called: Neoplastic Syndromes, Hereditary; Tumor predisposition; Hereditary Cancer Syndrome; Hereditary neoplastic syndrome. Identifiers: Orphanet 140162, MedGen C0027672, MeSH D009386, MONDO:0015356.

Submissions (3):

Quest Diagnostics Nichols Institute San Juan Capistrano
Classification: Uncertain significance. Last evaluated: 2024-02-06. Review status: criteria provided, single submitter. Criteria: Quest Diagnostics criteria. Collection method: clinical testing. Allele origin: unknown.
Comment: The SUFU c.892C>G (p.Arg298Gly) variant has not been reported in individuals with SUFU-related conditions in the published literature. It also has not been reported in large, multi-ethnic general populations (Genome Aggregation Database). Analysis of this variant using bioinformatics tools for the prediction of the effect of amino acid changes on protein structure and function yielded predictions that this variant is damaging. Based on the available information, we are unable to determine the clinical significance of this variant.

Ambry Genetics
Classification: Uncertain significance for Hereditary cancer-predisposing syndrome. Last evaluated: 2024-01-13. Review status: criteria provided, single submitter. Criteria: Ambry Variant Classification Scheme 2023. Collection method: clinical testing. Allele origin: germline.
Comment: The p.R298G variant (also known as c.892C>G), located in coding exon 7 of the SUFU gene, results from a C to G substitution at nucleotide position 892. The arginine at codon 298 is replaced by glycine, an amino acid with dissimilar properties. This amino acid position is conserved. In addition, the in silico prediction for this alteration is inconclusive. Since supporting evidence is limited at this time, the clinical significance of this alteration remains unclear.

Labcorp Genetics (formerly Invitae), Labcorp
Classification: Uncertain significance for Gorlin syndrome; Medulloblastoma. Last evaluated: 2023-10-12. Review status: criteria provided, single submitter. Criteria: Invitae Variant Classification Sherloc (09022015). Collection method: clinical testing. Allele origin: germline.
Comment: This sequence change replaces arginine, which is basic and polar, with glycine, which is neutral and non-polar, at codon 298 of the SUFU protein (p.Arg298Gly). This variant is not present in population databases (gnomAD no frequency). This variant has not been reported in the literature in individuals affected with SUFU-related conditions. Advanced modeling of protein sequence and biophysical properties (such as structural, functional, and spatial information, amino acid conservation, physicochemical variation, residue mobility, and thermodynamic stability) performed at Invitae indicates that this missense variant is not expected to disrupt SUFU protein function. In summary, the available evidence is currently insufficient to determine the role of this variant in disease. Therefore, it has been classified as a Variant of Uncertain Significance.